The following is an entry in ClinVar:

NM_000094.4(COL7A1):c.7622G>A (p.Arg2541Gln)

Gene: COL7A1 (collagen type VII alpha 1 chain; minus strand). Cytogenetic location: 3p21.31.
Variant type: single nucleotide variant.
Coding change: c.7622G>A on transcript NM_000094.4 (MANE Select); coding-DNA position 7622, G replaced by A.
Protein change: p.Arg2541Gln; replaces arginine 2541 with glutamine.
Molecular consequence: missense variant.
Genome position (GRCh38, 1-based): chr3:48,569,439, C>T on the plus strand (G>A on the coding strand, the complement: COL7A1 is on the minus strand). VCF-style: chr3-48569439-C-T. GRCh37 (hg19) VCF-style: chr3-48606872-C-T.
Other names: short protein forms R2541Q.
Identifiers: ClinVar variation 2187844 (VCV002187844.1), dbSNP rs373917369, ClinGen allele CA2378374.

ClinVar aggregate classification (germline): Uncertain significance (1 of 4 stars; one submission).

Allele frequency attached by ClinVar (database versions not stated): gnomAD exomes below 0.00001; gnomAD 0.00001; TOPMed 0.00001; ExAC 0.00002; ESP Exome Variant Server 0.00008.
gnomAD v4.1: 9 of 1,614,080 alleles (0.00056%); highest among the groups gnomAD compares: Middle Eastern, 0.016%; no homozygotes.

Submission:

Labcorp Genetics (formerly Invitae), Labcorp
Classification: Uncertain significance. Last evaluated: 2022-10-05. Review status: criteria provided, single submitter. Criteria: Invitae Variant Classification Sherloc (09022015). Collection method: clinical testing. Allele origin: germline.
Comment: This sequence change replaces arginine, which is basic and polar, with glutamine, which is neutral and polar, at codon 2541 of the COL7A1 protein (p.Arg2541Gln). This variant is present in population databases (rs373917369, gnomAD 0.004%). This variant has not been reported in the literature in individuals affected with COL7A1-related conditions. Advanced modeling of protein sequence and biophysical properties (such as structural, functional, and spatial information, amino acid conservation, physicochemical variation, residue mobility, and thermodynamic stability) performed at Invitae indicates that this missense variant is not expected to disrupt COL7A1 protein function. In summary, the available evidence is currently insufficient to determine the role of this variant in disease. Therefore, it has been classified as a Variant of Uncertain Significance.